The following is an entry in ClinVar:

ClinVar aggregate classification (germline): Likely benign. Review status: reviewed by expert panel (3 of 4 stars). 12 submissions from 12 submitters: Likely benign (1). 11 of the submissions do not count toward it. Last evaluated 2017-06-29.

Conditions:
Hereditary breast ovarian cancer syndrome. Also called: Hereditary breast and ovarian cancer syndrome; Hereditary breast and ovarian cancer; Hereditary breast and ovarian cancer syndrome (HBOC); Breast and ovarian cancer; Hereditary breast and/or ovarian cancer syndrome; BRCA1- and BRCA2-Associated Hereditary Breast and Ovarian Cancer. Identifiers: Orphanet 145, MedGen C0677776, MeSH D061325, MONDO:0003582. Disease mechanism: loss of function.
BRCA2-related disorder. Also called: BRCA2-related condition; BRCA2-related disorders. Identifiers: MedGen CN239275.
Hereditary cancer-predisposing syndrome. Also called: Neoplastic Syndromes, Hereditary; Tumor predisposition; Hereditary neoplastic syndrome; Hereditary Cancer Syndrome. Identifiers: Orphanet 140162, MedGen C0027672, MeSH D009386, MONDO:0015356.
Breast-ovarian cancer, familial, susceptibility to, 2 (BROVCA2). Also called: BRCA2 Hereditary Breast and Ovarian Cancer. Identifiers: Orphanet 145, MedGen C2675520, MONDO:0012933, OMIM 612555. Disease mechanism: loss of function.

Allele frequency attached by ClinVar (database versions not stated): gnomAD exomes 0.00001 and 0.00002.
gnomAD v4.1: 29 of 1,614,196 alleles (0.0018%); highest among the groups gnomAD compares: Non-Finnish European, 0.0024%; no homozygotes.

Submissions (12):

Evidence-based Network for the Interpretation of Germline Mutant Alleles (ENIGMA)
Classification: Likely benign for Breast-ovarian cancer, familial, susceptibility to, 2. Last evaluated: 2017-06-29. Review status: reviewed by expert panel. Criteria: ENIGMA BRCA1/2 Classification Criteria (2017-06-29). Collection method: curation. Allele origin: germline.
Comment: Synonymous substitution variant, with low bioinformatic likelihood to result in a splicing aberration (Splicing prior probability 0.02).

Labcorp Genetics (formerly Invitae), Labcorp
Classification: Likely benign for Hereditary breast ovarian cancer syndrome. Last evaluated: 2026-01-11. Review status: criteria provided, single submitter. Criteria: Invitae Variant Classification Sherloc (09022015). Collection method: clinical testing. Allele origin: germline. Not counted in ClinVar's aggregate classification.

Ambry Genetics
Classification: Likely benign for Hereditary cancer-predisposing syndrome. Last evaluated: 2024-01-18. Review status: criteria provided, single submitter. Criteria: Ambry Variant Classification Scheme 2023. Collection method: clinical testing. Allele origin: germline. Not counted in ClinVar's aggregate classification.

All of Us Research Program, National Institutes of Health
Classification: Likely benign for Breast-ovarian cancer, familial, susceptibility to, 2. Last evaluated: 2023-11-02. Review status: criteria provided, single submitter. Criteria: ACMG Guidelines, 2015. Collection method: clinical testing. Allele origin: germline. Inheritance: Autosomal dominant inheritance. Observed: 2 variant alleles, 2 heterozygotes. Not counted in ClinVar's aggregate classification.
Comment: This study involves interpretation of variants in research participants for the purpose of population health screening. Participant phenotype was not available at the time of variant classification. Additional details can be found in publication PMID: 35346344, PMCID: PMC8962531

Color Diagnostics, LLC DBA Color Health
Classification: Likely benign for Hereditary cancer-predisposing syndrome. Last evaluated: 2019-10-16. Review status: criteria provided, single submitter. Criteria: ACMG Guidelines, 2015. Collection method: clinical testing. Allele origin: germline. Not counted in ClinVar's aggregate classification.

GeneDx
Classification: Likely benign. Last evaluated: 2017-11-08. Review status: criteria provided, single submitter. Criteria: GeneDx Variant Classification (06012015). Collection method: clinical testing. Allele origin: germline. Affected: yes. Not counted in ClinVar's aggregate classification.
Comment: This variant is considered likely benign or benign based on one or more of the following criteria: it is a conservative change, it occurs at a poorly conserved position in the protein, it is predicted to be benign by multiple in silico algorithms, and/or has population frequency not consistent with disease.

Women's Health and Genetics/Laboratory Corporation of America, LabCorp
Classification: Likely benign. Last evaluated: 2017-08-14. Review status: criteria provided, single submitter. Criteria: LabCorp Variant Classification Summary - May 2015. Collection method: clinical testing. Allele origin: germline. Not counted in ClinVar's aggregate classification.
Comment: Variant summary: The BRCA2 c.8103T>G (p.Ser2701Ser) variant involves the alteration of a non-conserved nucleotide, resulting in a synonymous change. One in silico tool predicts a benign outcome for this variant. 4/5 splice prediction tools predict no significant impact on normal splicing. However, these predictions have yet to be confirmed by functional studies. This variant was found in 2/246118 control chromosomes in gnomAD at a frequency of 0.0000081, which does not exceed the estimated maximal expected allele frequency of a pathogenic BRCA2 variant (0.0007503). This variant has been reported in a study cohort of LS patients with a co-occurring pathogenic MMR variant, and was classified by the authors as a no-effect variant (Jori_2014). In addition, multiple clinical diagnostic laboratories/reputable databases classified this variant as likely benign. Taken together, this variant is classified as likely benign.

Clinical Genetics DNA and cytogenetics Diagnostics Lab, Erasmus MC, Erasmus Medical Center
Classification: Likely benign for Breast-ovarian cancer, familial, susceptibility to, 2. Last evaluated: 2015-09-21. Review status: criteria provided, single submitter. Criteria: ACGS Guidelines, 2013. Collection method: clinical testing. Allele origin: germline. Affected: yes. Study: VKGL Data-share Consensus. Not counted in ClinVar's aggregate classification.

Genome Diagnostics Laboratory, University Medical Center Utrecht
Classification: Likely benign for Breast-ovarian cancer, familial, susceptibility to, 2. Last evaluated: 2014-10-10. Review status: criteria provided, single submitter. Criteria: ACGS Guidelines, 2013. Collection method: clinical testing. Allele origin: germline. Affected: yes. Study: VKGL Data-share Consensus. Not counted in ClinVar's aggregate classification.

PreventionGenetics, part of Exact Sciences
Classification: Likely benign for BRCA2-related condition. Last evaluated: 2019-04-29. Review status: no assertion criteria provided. Collection method: clinical testing. Allele origin: germline. Not counted in ClinVar's aggregate classification.
Comment: This variant is classified as likely benign based on ACMG/AMP sequence variant interpretation guidelines (Richards et al. 2015 PMID: 25741868, with internal and published modifications).

Breast Cancer Information Core (BIC) (BRCA2)
Classification: Uncertain significance for Breast-ovarian cancer, familial 2. Last evaluated: 2000-06-12. Review status: no assertion criteria provided. Collection method: clinical testing. Allele origin: germline. Affected: yes. Observed: 1 variant allele. Not counted in ClinVar's aggregate classification.

Joint Genome Diagnostic Labs from Nijmegen and Maastricht, Radboudumc and MUMC+
Classification: Likely benign. Review status: no assertion criteria provided. Collection method: clinical testing. Allele origin: germline. Affected: yes. Study: VKGL Data-share Consensus. Not counted in ClinVar's aggregate classification.

Literature cited by the submitters: PubMed 26517685 (cited by Women's Health and Genetics/Laboratory Corporation of America, LabCorp).

NM_000059.4(BRCA2):c.8103T>G (p.Ser2701=)

Gene: BRCA2 (BRCA2 DNA repair associated; plus strand). Cytogenetic location: 13q13.1.
Variant type: single nucleotide variant.
Coding change: c.8103T>G on transcript NM_000059.4 (MANE Select); coding-DNA position 8103, T replaced by G.
Protein change: p.Ser2701=; no amino-acid change (serine 2701 retained).
Molecular consequence: synonymous variant.
Genome position (GRCh38, 1-based): chr13:32,363,305, T>G. VCF-style: chr13-32363305-T-G. GRCh37 (hg19) VCF-style: chr13-32937442-T-G.
Other names: 8331T/G.
Identifiers: ClinVar variation 52506 (VCV000052506.24), dbSNP rs80359801, ClinGen allele CA025456.